The following is an entry in ClinVar:

ClinVar aggregate classification (germline): Likely benign. Review status: criteria provided, multiple submitters, no conflicts (2 of 4 stars). 3 submissions from 3 submitters: Likely benign (3). Last evaluated 2025-11-01.

Allele frequency attached by ClinVar (database versions not stated): gnomAD 0.00001; gnomAD exomes 0.00001.
gnomAD v4.1: 8 of 1,613,954 alleles (0.0005%); highest among the groups gnomAD compares: Non-Finnish European, 0.00059%; no homozygotes.

Submissions (3):

CeGaT Center for Human Genetics Tuebingen
Classification: Likely benign. Last evaluated: 2025-11-01. Review status: criteria provided, single submitter. Criteria: CeGaT Center For Human Genetics Tuebingen Variant Classification Criteria Version 2. Collection method: clinical testing. Allele origin: germline. Affected: yes. Observed: 1 variant allele.
Comment: COL4A2: BP4, BP7

Blueprint Genetics
Classification: Likely benign. Last evaluated: 2022-11-21. Review status: criteria provided, single submitter. Criteria: ACMG Guidelines, 2015. Collection method: clinical testing. Allele origin: germline.

Labcorp Genetics (formerly Invitae), Labcorp
Classification: Likely benign. Last evaluated: 2021-12-25. Review status: criteria provided, single submitter. Criteria: Invitae Variant Classification Sherloc (09022015). Collection method: clinical testing. Allele origin: germline.

NM_001846.4(COL4A2):c.1290G>A (p.Lys430=)

Gene: COL4A2 (collagen type IV alpha 2 chain; plus strand). Cytogenetic location: 13q34.
Variant type: single nucleotide variant.
Coding change: c.1290G>A on transcript NM_001846.4 (MANE Select); coding-DNA position 1290, G replaced by A.
Protein change: p.Lys430=; no amino-acid change (lysine 430 retained).
Molecular consequence: synonymous variant.
Genome position (GRCh38, 1-based): chr13:110,450,405, G>A. VCF-style: chr13-110450405-G-A. GRCh37 (hg19) VCF-style: chr13-111102752-G-A.
Identifiers: ClinVar variation 1606502 (VCV001606502.15), dbSNP rs1881493972, ClinGen allele CA484793447.